The following is an entry in ClinVar:

NM_006420.3(ARFGEF2):c.3758-3del

Gene: ARFGEF2 (ARF guanine nucleotide exchange factor 2; plus strand). Cytogenetic location: 20q13.13.
Variant type: Deletion.
Coding change: c.3758-3del on transcript NM_006420.3 (MANE Select); 3 bases into the intron before coding-DNA position 3758, one base deleted (C; older notation c.3758-3delC).
Molecular consequence: intron variant.
Genome position (GRCh38, 1-based): chr20:49,011,921, C deleted; the last of 5 consecutive C bases (chr20:49,011,917-49,011,921); deleting any one gives the same sequence. VCF-style (leftmost placement, unchanged base first): chr20-49011916-TC-T. GRCh37 (hg19) VCF-style: chr20-47628453-TC-T.
Other names: c.3758-3delC (NM_006420.2).
Identifiers: ClinVar variation 210237 (VCV000210237.13), dbSNP rs797045256, ClinGen allele CA208529.

ClinVar aggregate classification (germline): Conflicting classifications of pathogenicity. Review status: criteria provided, conflicting classifications (1 of 4 stars). 4 submissions from 4 submitters: Uncertain significance (2); Benign (1). 1 of the submissions does not count toward it. Last evaluated 2025-12-24.

Conditions:
Inborn genetic diseases. Identifiers: MedGen C0950123, MeSH D030342.
ARFGEF2-related disorder. Also called: ARFGEF2-related condition.

Submissions (4):

Labcorp Genetics (formerly Invitae), Labcorp
Classification: Benign. Last evaluated: 2025-12-24. Review status: criteria provided, single submitter. Criteria: Invitae Variant Classification Sherloc (09022015). Collection method: clinical testing. Allele origin: germline.

Ambry Genetics
Classification: Uncertain significance for Inborn genetic diseases. Last evaluated: 2021-12-03. Review status: criteria provided, single submitter. Criteria: Ambry Variant Classification Scheme 2023. Collection method: clinical testing. Allele origin: germline.
Comment: The c.3758-3delC alteration consists of a deletion of a C 3 nucleotides after exon 27 of the ARFGEF2 gene. Based on insufficient or conflicting evidence, the clinical significance of this alteration remains unclear.

Genetic Services Laboratory, University of Chicago
Classification: Uncertain significance. Last evaluated: 2014-06-05. Review status: criteria provided, single submitter. Criteria: ACMG Guidelines, 2015. Collection method: clinical testing. Allele origin: germline.

PreventionGenetics, part of Exact Sciences
Classification: Likely benign for ARFGEF2-related condition. Last evaluated: 2023-08-23. Review status: no assertion criteria provided. Collection method: clinical testing. Allele origin: germline. Not counted in ClinVar's aggregate classification.
Comment: This variant is classified as likely benign based on ACMG/AMP sequence variant interpretation guidelines (Richards et al. 2015 PMID: 25741868, with internal and published modifications).